The following is an entry in ClinVar:

NM_033004.4(NLRP1):c.2078G>A (p.Arg693Gln)

Gene: NLRP1 (NLR family pyrin domain containing 1; minus strand). Cytogenetic location: 17p13.2.
Variant type: single nucleotide variant.
Coding change: c.2078G>A on transcript NM_033004.4 (MANE Select); coding-DNA position 2078, G replaced by A.
Protein change: p.Arg693Gln; replaces arginine 693 with glutamine.
Molecular consequence: missense variant.
Genome position (GRCh38, 1-based): chr17:5,558,618, C>T on the plus strand (G>A on the coding strand, the complement: NLRP1 is on the minus strand). VCF-style: chr17-5558618-C-T. GRCh37 (hg19) VCF-style: chr17-5461938-C-T.
Other names: c.2078G>A, p.Arg693Gln (NM_001033053.3, NM_014922.5, NM_033006.4 and 1 more transcripts); short protein forms R693Q.
Identifiers: ClinVar variation 1431134 (VCV001431134.8), dbSNP rs752820328, ClinGen allele CA8327266.

ClinVar aggregate classification (germline): Uncertain significance (1 of 4 stars; one submission).

Allele frequency attached by ClinVar (database versions not stated): gnomAD exomes 0.00001 and 0.00002; ExAC 0.00002; TOPMed 0.00002; gnomAD 0.00003.
gnomAD v4.1: 19 of 1,613,982 alleles (0.0012%); highest among the groups gnomAD compares: Middle Eastern, 0.016%; no homozygotes.

Submission:

Labcorp Genetics (formerly Invitae), Labcorp
Classification: Uncertain significance. Last evaluated: 2025-03-18. Review status: criteria provided, single submitter. Criteria: Invitae Variant Classification Sherloc (09022015). Collection method: clinical testing. Allele origin: germline.
Comment: This sequence change replaces arginine, which is basic and polar, with glutamine, which is neutral and polar, at codon 693 of the NLRP1 protein (p.Arg693Gln). This variant is present in population databases (rs752820328, gnomAD 0.008%). This variant has not been reported in the literature in individuals affected with NLRP1-related conditions. ClinVar contains an entry for this variant (Variation ID: 1431134). An algorithm developed to predict the effect of missense changes on protein structure and function outputs the following: PolyPhen-2: "Benign". The glutamine amino acid residue is found in multiple mammalian species, which suggests that this missense change does not adversely affect protein function. In summary, the available evidence is currently insufficient to determine the role of this variant in disease. Therefore, it has been classified as a Variant of Uncertain Significance.